The following is an entry in ClinVar:

NM_005090.4(JMJD7-PLA2G4B):c.1184-6T>C

Genes: JMJD7-PLA2G4B (JMJD7-PLA2G4B readthrough; plus strand), PLA2G4B (phospholipase A2 group IVB; plus strand). Cytogenetic location: 15q15.1.
Variant type: single nucleotide variant.
Coding change: c.1184-6T>C on transcript NM_005090.4; 6 bases into the intron before coding-DNA position 1184, T replaced by C.
Molecular consequence: intron variant.
Genome position (GRCh38, 1-based): chr15:41,841,813, T>C. VCF-style: chr15-41841813-T-C. GRCh37 (hg19) VCF-style: chr15-42134011-T-C.
Other names: c.1184-6T>C (NM_001198588.2); c.491-6T>C (NM_001114633.2).
Identifiers: ClinVar variation 3040803 (VCV003040803.2), dbSNP rs376913233, ClinGen allele CA7499667.

ClinVar aggregate classification (germline): Likely benign (0 of 4 stars; one submission).

Conditions:
JMJD7-PLA2G4B-related disorder. Also called: JMJD7-PLA2G4B-related condition.

Allele frequency attached by ClinVar (database versions not stated): 1000 Genomes Project 30x 0.00031; 1000 Genomes Project 0.00040; ESP Exome Variant Server 0.00062; gnomAD exomes 0.00014; gnomAD 0.00019; ExAC 0.00023; TOPMed 0.00030.
gnomAD v4.1: 237 of 1,613,076 alleles (0.015%); highest among the groups gnomAD compares: Middle Eastern, 0.13%; no homozygotes.

Submission:

PreventionGenetics, part of Exact Sciences
Classification: Likely benign for JMJD7-PLA2G4B-related condition. Last evaluated: 2019-09-19. Review status: no assertion criteria provided. Collection method: clinical testing. Allele origin: germline.
Comment: This variant is classified as likely benign based on ACMG/AMP sequence variant interpretation guidelines (Richards et al. 2015 PMID: 25741868, with internal and published modifications).